The following is an entry in ClinVar:

ClinVar aggregate classification (germline): Uncertain significance. Review status: criteria provided, multiple submitters, no conflicts (2 of 4 stars). 5 submissions from 5 submitters: Uncertain significance (5). Last evaluated 2026-05-26.

Conditions:
Familial thoracic aortic aneurysm and aortic dissection (TAAD). Also called: Thoracic aortic aneurysms and dissections. Identifiers: Orphanet 91387, MedGen C4707243, MONDO:0019625.
Arterial tortuosity syndrome (ATORS). Identifiers: Orphanet 3342, MedGen C1859726, MONDO:0008818, OMIM 208050.

Allele frequency attached by ClinVar (database versions not stated): TOPMed 0.00014; gnomAD exomes 0.00006; gnomAD 0.00013 and 0.00014; ExAC 0.00005; ESP Exome Variant Server 0.00023.
gnomAD v4.1: 37 of 1,613,994 alleles (0.0023%); highest among the groups gnomAD compares: African/African-American, 0.04%; no homozygotes.

Submissions (5):

Ambry Genetics
Classification: Uncertain significance for Familial thoracic aortic aneurysm and aortic dissection. Last evaluated: 2026-05-26. Review status: criteria provided, single submitter. Criteria: Ambry Variant Classification Scheme 2023. Collection method: clinical testing. Allele origin: germline.
Comment: The p.E442Q variant (also known as c.1324G>C), located in coding exon 3 of the SLC2A10 gene, results from a G to C substitution at nucleotide position 1324. The glutamic acid at codon 442 is replaced by glutamine, an amino acid with highly similar properties. This amino acid position is not well conserved in available vertebrate species. In addition, this alteration is predicted to be tolerated by in silico analysis. Based on the available evidence, the clinical significance of this variant remains unclear.

Mayo Clinic Laboratories, Mayo Clinic
Classification: Uncertain significance. Last evaluated: 2025-03-10. Review status: criteria provided, single submitter. Criteria: ACMG Guidelines, 2015. Collection method: clinical testing. Allele origin: germline. Observed: 1 variant allele.
Comment: PP3

Labcorp Genetics (formerly Invitae), Labcorp
Classification: Uncertain significance for Arterial tortuosity syndrome. Last evaluated: 2021-10-09. Review status: criteria provided, single submitter. Criteria: Invitae Variant Classification Sherloc (09022015). Collection method: clinical testing. Allele origin: germline.
Comment: This sequence change replaces glutamic acid with glutamine at codon 442 of the SLC2A10 protein (p.Glu442Gln). The glutamic acid residue is moderately conserved and there is a small physicochemical difference between glutamic acid and glutamine. This variant is present in population databases (rs143265363, ExAC 0.04%). This variant has not been reported in the literature in individuals affected with SLC2A10-related conditions. ClinVar contains an entry for this variant (Variation ID: 213735). Algorithms developed to predict the effect of missense changes on protein structure and function output the following: SIFT: "Tolerated"; PolyPhen-2: "Benign"; Align-GVGD: "Class C0". The glutamine amino acid residue is found in multiple mammalian species, which suggests that this missense change does not adversely affect protein function. In summary, the available evidence is currently insufficient to determine the role of this variant in disease. Therefore, it has been classified as a Variant of Uncertain Significance.

Revvity Omics, Revvity
Classification: Uncertain significance for Arterial tortuosity syndrome. Last evaluated: 2020-10-01. Review status: criteria provided, single submitter. Criteria: ACMG Guidelines, 2015. Collection method: clinical testing. Allele origin: germline.

GeneDx
Classification: Uncertain significance. Last evaluated: 2015-03-02. Review status: criteria provided, single submitter. Criteria: GeneDx Variant Classification (06012015). Collection method: clinical testing. Allele origin: germline. Affected: yes.
Comment: p.Glu442Gln (GAG>CAG): c.1324 G>C in exon 3 of the SLC2A10 gene (NM_030777.3). A variant of unknown significance has been identified in the SLC2A10 gene. The E442Q variant has not been published as a mutation, nor has it been reported as a benign polymorphism to our knowledge. The E442Q variant was not observed with any significant frequency in approximately 6,500 individuals of European and African American ancestry in the NHLBI Exome Sequencing Project, indicating it is not a common benign variant in these populations. The E442Q variant is a non-conservative amino acid substitution, which is likely to impact secondary protein structure as these residues differ in polarity, charge, size and/or other properties. This substitution occurs at a position that is conserved in mammals. Missense mutations in nearby residues (E437K, G445E) have been reported in association with Arterial tortuosity syndrome, supporting the functional importance of this region of the protein. Nevertheless, in silico analysis is inconsistent in its predictions as to whether or not the variant is damaging to the protein structure/function. Therefore, based on the currently available information, it is unclear whether this variant is a pathogenic mutation or a rare benign variant. This variant was found in TAADV2-1,TAAD

NM_030777.4(SLC2A10):c.1324G>C (p.Glu442Gln)

Gene: SLC2A10 (solute carrier family 2 member 10; plus strand). Cytogenetic location: 20q13.12.
Variant type: single nucleotide variant.
Coding change: c.1324G>C on transcript NM_030777.4 (MANE Select); coding-DNA position 1324, G replaced by C.
Protein change: p.Glu442Gln; replaces glutamic acid 442 with glutamine.
Molecular consequence: missense variant.
Genome position (GRCh38, 1-based): chr20:46,726,899, G>C. VCF-style: chr20-46726899-G-C. GRCh37 (hg19) VCF-style: chr20-45355538-G-C.
Other names: p.E442Q:GAG>CAG; p.Glu442Gln; short protein forms E442Q.
Identifiers: ClinVar variation 213735 (VCV000213735.11), dbSNP rs143265363, ClinGen allele CA320882.